The following is an entry in ClinVar:

NM_004667.6(HERC2):c.2517+59A>G

Gene: HERC2 (HECT and RLD domain containing E3 ubiquitin protein ligase 2; minus strand). Cytogenetic location: 15q13.1.
Variant type: single nucleotide variant.
Coding change: c.2517+59A>G on transcript NM_004667.6 (MANE Select); 59 bases into the intron after coding-DNA position 2517, A replaced by G.
Molecular consequence: intron variant.
Genome position (GRCh38, 1-based): chr15:28,257,002, T>C on the plus strand (A>G on the coding strand, the complement: HERC2 is on the minus strand). VCF-style: chr15-28257002-T-C. GRCh37 (hg19) VCF-style: chr15-28502148-T-C.
Identifiers: ClinVar variation 4883154 (VCV004883154.2).

ClinVar aggregate classification (germline): Uncertain significance (1 of 4 stars; one submission).

gnomAD v4.1: 2 of 1,442,874 alleles (0.00014%); highest among the groups gnomAD compares: Non-Finnish European, 0.00019%; no homozygotes.

Submission:

Dasa
Classification: Uncertain significance. Last evaluated: 2026-02-18. Review status: criteria provided, single submitter. Criteria: DASA Assertion Criteria. Collection method: clinical testing. Allele origin: germline.
Comment: NM_004667.6(HERC2):c.2517+59A>G is an intronic variant. This variant has been observed in affected individuals with HERC2-related disorders. Also, this variant is rare in population databases. The currently available literature and clinical evidence are not sufficient to establish a definitive association between this variant and the reported condition. Therefore, this variant is classified as a variant of uncertain significance.